The following is an entry in ClinVar:

NM_002691.4(POLD1):c.1538T>C (p.Leu513Pro)

Gene: POLD1 (DNA polymerase delta 1, catalytic subunit; plus strand). Cytogenetic location: 19q13.33.
Variant type: single nucleotide variant.
Coding change: c.1538T>C on transcript NM_002691.4 (MANE Select); coding-DNA position 1538, T replaced by C.
Protein change: p.Leu513Pro; replaces leucine 513 with proline.
Molecular consequence: missense variant. On other transcripts: non-coding transcript variant (1).
Genome position (GRCh38, 1-based): chr19:50,407,026, T>C. VCF-style: chr19-50407026-T-C. GRCh37 (hg19) VCF-style: chr19-50910283-T-C.
Other names: c.1538T>C (NM_002691.2); c.1538T>C, p.Leu513Pro (NM_001256849.1, NM_001308632.1); short protein forms L513P.
Identifiers: ClinVar variation 1442799 (VCV001442799.9), dbSNP rs1186488048, ClinGen allele CA406980829.

ClinVar aggregate classification (germline): Uncertain significance. Review status: criteria provided, multiple submitters, no conflicts (2 of 4 stars). 2 submissions from 2 submitters: Uncertain significance (2). Last evaluated 2025-08-11.

Conditions:
POLD1-related polyposis and colorectal cancer syndrome (CRCS10). Also called: Colorectal cancer 10; COLORECTAL CANCER, SUSCEPTIBILITY TO, ON CHROMOSOME 19q; Colorectal cancer, susceptibility to, 10. Identifiers: Orphanet 220460, MedGen C2675481, MONDO:0012953, OMIM 612591.
Hereditary cancer-predisposing syndrome. Also called: Neoplastic Syndromes, Hereditary; Tumor predisposition; Hereditary Cancer Syndrome; Hereditary neoplastic syndrome. Identifiers: Orphanet 140162, MedGen C0027672, MeSH D009386, MONDO:0015356.

Allele frequency attached by ClinVar (database versions not stated): gnomAD exomes below 0.00001.
gnomAD v4.1: 1 of 1,611,340 alleles (0.000062%); highest among the groups gnomAD compares: Non-Finnish European, 0.000085%; no homozygotes.

Submissions (2):

Labcorp Genetics (formerly Invitae), Labcorp
Classification: Uncertain significance for POLD1-related polyposis and colorectal cancer syndrome. Last evaluated: 2025-08-11. Review status: criteria provided, single submitter. Criteria: Invitae Variant Classification Sherloc (09022015). Collection method: clinical testing. Allele origin: germline.
Comment: This sequence change replaces leucine, which is neutral and non-polar, with proline, which is neutral and non-polar, at codon 513 of the POLD1 protein (p.Leu513Pro). This variant is present in population databases (no rsID available, gnomAD 0.0009%). This variant has not been reported in the literature in individuals affected with POLD1-related conditions. ClinVar contains an entry for this variant (Variation ID: 1442799). Invitae Evidence Modeling of protein sequence and biophysical properties (such as structural, functional, and spatial information, amino acid conservation, physicochemical variation, residue mobility, and thermodynamic stability) indicates that this missense variant is expected to disrupt POLD1 protein function with a positive predictive value of 80%. In summary, the available evidence is currently insufficient to determine the role of this variant in disease. Therefore, it has been classified as a Variant of Uncertain Significance.

Ambry Genetics
Classification: Uncertain significance for Hereditary cancer-predisposing syndrome. Last evaluated: 2025-02-25. Review status: criteria provided, single submitter. Criteria: Ambry Variant Classification Scheme 2023. Collection method: clinical testing. Allele origin: germline.
Comment: The p.L513P variant (also known as c.1538T>C), located in coding exon 12 of the POLD1 gene, results from a T to C substitution at nucleotide position 1538. The leucine at codon 513 is replaced by proline, an amino acid with similar properties. This amino acid position is conserved. In addition, this alteration is predicted to be deleterious by in silico analysis. Based on the available evidence, the clinical significance of this variant remains unclear.